The following is an entry in ClinVar:

NM_002098.6(GUCA1B):c.332G>T (p.Arg111Leu)

Gene: GUCA1B (guanylate cyclase activator 1B; minus strand). Cytogenetic location: 6p21.1.
Variant type: single nucleotide variant.
Coding change: c.332G>T on transcript NM_002098.6 (MANE Select); coding-DNA position 332, G replaced by T.
Protein change: p.Arg111Leu; replaces arginine 111 with leucine.
Molecular consequence: missense variant.
Genome position (GRCh38, 1-based): chr6:42,188,607, C>A on the plus strand (G>T on the coding strand, the complement: GUCA1B is on the minus strand). VCF-style: chr6-42188607-C-A. GRCh37 (hg19) VCF-style: chr6-42156345-C-A.
Other names: short protein forms R111L.
Identifiers: ClinVar variation 3723650 (VCV003723650.2).

ClinVar aggregate classification (germline): Uncertain significance (1 of 4 stars; one submission).

gnomAD v4.1: 1 of 1,614,072 alleles (0.000062%); highest among the groups gnomAD compares: Non-Finnish European, 0.000085%; no homozygotes.

Submission:

Labcorp Genetics (formerly Invitae), Labcorp
Classification: Uncertain significance. Last evaluated: 2024-10-23. Review status: criteria provided, single submitter. Criteria: Invitae Variant Classification Sherloc (09022015). Collection method: clinical testing. Allele origin: germline.
Comment: This sequence change replaces arginine, which is basic and polar, with leucine, which is neutral and non-polar, at codon 111 of the GUCA1B protein (p.Arg111Leu). This variant is not present in population databases (gnomAD no frequency). This variant has not been reported in the literature in individuals affected with GUCA1B-related conditions. An algorithm developed to predict the effect of missense changes on protein structure and function (PolyPhen-2) suggests that this variant is likely to be disruptive. In summary, the available evidence is currently insufficient to determine the role of this variant in disease. Therefore, it has been classified as a Variant of Uncertain Significance.